The following is an entry in ClinVar:

ClinVar aggregate classification (germline): Likely benign. Review status: criteria provided, multiple submitters, no conflicts (2 of 4 stars). 2 submissions from 2 submitters: Likely benign (2). Last evaluated 2025-09-24.

Conditions:
Muscular dystrophy-dystroglycanopathy (congenital with brain and eye anomalies), type a, 11 (MDDGA11). Also called: WALKER-WARBURG SYNDROME OR MUSCLE-EYE-BRAIN DISEASE, B3GALNT2-RELATED; Congenital muscular dystrophy-dystroglycanopathy with brain and eye anomalies, type A11; Muscular dystrophy-dystroglycanopathy (congenital with brain and eye anomalies, type A, 11. Identifiers: Orphanet 588, Orphanet 899, MedGen C3554638, MONDO:0014071, OMIM 615181.

Allele frequency attached by ClinVar (database versions not stated): gnomAD 0.00002; TOPMed 0.00003; ExAC 0.00012.
gnomAD v4.1: 72 of 1,613,144 alleles (0.0045%); highest among the groups gnomAD compares: East Asian, 0.15%; no homozygotes.

Submissions (2):

Labcorp Genetics (formerly Invitae), Labcorp
Classification: Likely benign for Muscular dystrophy-dystroglycanopathy (congenital with brain and eye anomalies), type a, 11. Last evaluated: 2025-09-24. Review status: criteria provided, single submitter. Criteria: Invitae Variant Classification Sherloc (09022015). Collection method: clinical testing. Allele origin: germline.

GeneDx
Classification: Likely benign. Last evaluated: 2017-07-19. Review status: criteria provided, single submitter. Criteria: GeneDx Variant Classification (06012015). Collection method: clinical testing. Allele origin: germline. Affected: yes.
Comment: This variant is considered likely benign or benign based on one or more of the following criteria: it is a conservative change, it occurs at a poorly conserved position in the protein, it is predicted to be benign by multiple in silico algorithms, and/or has population frequency not consistent with disease.

NM_152490.5(B3GALNT2):c.362-12C>T

Gene: B3GALNT2 (beta-1,3-N-acetylgalactosaminyltransferase 2; minus strand). Cytogenetic location: 1q42.3.
Variant type: single nucleotide variant.
Coding change: c.362-12C>T on transcript NM_152490.5 (MANE Select); 12 bases into the intron before coding-DNA position 362, C replaced by T.
Molecular consequence: intron variant.
Genome position (GRCh38, 1-based): chr1:235,484,527, G>A on the plus strand (C>T on the coding strand, the complement: B3GALNT2 is on the minus strand). VCF-style: chr1-235484527-G-A. GRCh37 (hg19) VCF-style: chr1-235647843-G-A.
Other names: c.485-12C>T (NM_001277155.3).
Identifiers: ClinVar variation 510864 (VCV000510864.6), dbSNP rs546633200, ClinGen allele CA1464923.